The following is an entry in ClinVar:

NM_001042545.2(LTBP4):c.2877del (p.Gly960fs)

Gene: LTBP4 (latent transforming growth factor beta binding protein 4; plus strand). Cytogenetic location: 19q13.2.
Variant type: Deletion.
Coding change: c.2877del on transcript NM_001042545.2 (MANE Select); coding-DNA position 2877, one base deleted (T; older notation c.2877delT).
Protein change: p.Gly960fs; shifts the reading frame from glycine 960.
Molecular consequence: frameshift variant.
Genome position (GRCh38, 1-based): chr19:40,616,953, T deleted. VCF-style (leftmost placement, unchanged base first): chr19-40616952-CT-C. GRCh37 (hg19) VCF-style: chr19-41122858-CT-C.
Other names: c.3078del, p.Gly1027fs (NM_001042544.1); c.2967del, p.Gly990fs (NM_003573.2); short protein forms G1027fs, G990fs, G960fs.
Identifiers: ClinVar variation 3651368 (VCV003651368.2).

ClinVar aggregate classification (germline): Pathogenic (1 of 4 stars; one submission).

Submission:

Labcorp Genetics (formerly Invitae), Labcorp
Classification: Pathogenic. Last evaluated: 2024-09-04. Review status: criteria provided, single submitter. Criteria: Invitae Variant Classification Sherloc (09022015). Collection method: clinical testing. Allele origin: germline.
Comment: This sequence change creates a premature translational stop signal (p.Gly990Alafs*66) in the LTBP4 gene. It is expected to result in an absent or disrupted protein product. Loss-of-function variants in LTBP4 are known to be pathogenic (PMID: 19836010, 22829427). This variant is not present in population databases (gnomAD no frequency). This variant has not been reported in the literature in individuals affected with LTBP4-related conditions. For these reasons, this variant has been classified as Pathogenic.

Literature cited by the submitters: PubMed 19836010; PubMed 22829427.